The following is an entry in ClinVar:

NM_001440.4(EXTL3):c.796T>G (p.Trp266Gly)

Gene: EXTL3 (exostosin like glycosyltransferase 3; plus strand). Cytogenetic location: 8p21.1.
Variant type: single nucleotide variant.
Coding change: c.796T>G on transcript NM_001440.4 (MANE Select); coding-DNA position 796, T replaced by G.
Protein change: p.Trp266Gly; replaces tryptophan 266 with glycine.
Molecular consequence: missense variant.
Genome position (GRCh38, 1-based): chr8:28,716,855, T>G. VCF-style: chr8-28716855-T-G. GRCh37 (hg19) VCF-style: chr8-28574372-T-G.
Other names: short protein forms W266G.
Identifiers: ClinVar variation 3680184 (VCV003680184.2).

ClinVar aggregate classification (germline): Uncertain significance (1 of 4 stars; one submission).

Submission:

Labcorp Genetics (formerly Invitae), Labcorp
Classification: Uncertain significance. Last evaluated: 2024-08-11. Review status: criteria provided, single submitter. Criteria: Invitae Variant Classification Sherloc (09022015). Collection method: clinical testing. Allele origin: germline.
Comment: This sequence change replaces tryptophan, which is neutral and slightly polar, with glycine, which is neutral and non-polar, at codon 266 of the EXTL3 protein (p.Trp266Gly). This variant is not present in population databases (gnomAD no frequency). This variant has not been reported in the literature in individuals affected with EXTL3-related conditions. Advanced modeling of protein sequence and biophysical properties (such as structural, functional, and spatial information, amino acid conservation, physicochemical variation, residue mobility, and thermodynamic stability) performed at Invitae indicates that this missense variant is not expected to disrupt EXTL3 protein function with a negative predictive value of 80%. In summary, the available evidence is currently insufficient to determine the role of this variant in disease. Therefore, it has been classified as a Variant of Uncertain Significance.